The following is an entry in ClinVar:

NM_007194.4(CHEK2):c.130del (p.Ser44fs)

Gene: CHEK2 (checkpoint kinase 2; minus strand). Cytogenetic location: 22q12.1.
Variant type: Deletion.
Coding change: c.130del on transcript NM_007194.4 (MANE Select); coding-DNA position 130, one base deleted (A; older notation c.130delA).
Protein change: p.Ser44fs; shifts the reading frame from serine 44.
Molecular consequence: frameshift variant.
Genome position (GRCh38, 1-based): chr22:28,734,592, T deleted on the plus strand (A on the coding strand, the reverse complement: CHEK2 is on the minus strand). VCF-style (leftmost placement, unchanged base first): chr22-28734591-CT-C. GRCh37 (hg19) VCF-style: chr22-29130579-CT-C.
Other names: c.130delA, p.Ser44Alafs (NM_001005735.3, NM_001349956.3, NM_145862.3); c.-648delA (NM_001257387.3); short protein forms S44fs.
Identifiers: ClinVar variation 4002276 (VCV004002276.1).

ClinVar aggregate classification (germline): Pathogenic (1 of 4 stars; one submission).

Conditions:
Hereditary cancer-predisposing syndrome. Also called: Tumor predisposition; Hereditary neoplastic syndrome; Neoplastic Syndromes, Hereditary; Hereditary Cancer Syndrome. Identifiers: Orphanet 140162, MedGen C0027672, MeSH D009386, MONDO:0015356.

Submission:

Ambry Genetics
Classification: Pathogenic for Hereditary cancer-predisposing syndrome. Last evaluated: 2025-06-06. Review status: criteria provided, single submitter. Criteria: Ambry Variant Classification Scheme 2023. Collection method: clinical testing. Allele origin: germline.
Comment: The c.130delA pathogenic mutation, located in coding exon 1 of the CHEK2 gene, results from a deletion of one nucleotide at nucleotide position 130, causing a translational frameshift with a predicted alternate stop codon (p.S44Afs*17). This variant is considered to be rare based on population cohorts in the Genome Aggregation Database (gnomAD). This alteration is expected to result in loss of function by premature protein truncation or nonsense-mediated mRNA decay. As such, this alteration is interpreted as a disease-causing mutation.